The following is an entry in ClinVar:

NM_017534.6(MYH2):c.5374A>G (p.Met1792Val)

Genes: MYHAS (myosin heavy chain gene cluster antisense RNA; plus strand), MYH2 (myosin heavy chain 2; minus strand). Cytogenetic location: 17p13.1.
Variant type: single nucleotide variant.
Coding change: c.5374A>G on transcript NM_017534.6 (MANE Select); coding-DNA position 5374, A replaced by G.
Protein change: p.Met1792Val; replaces methionine 1792 with valine.
Molecular consequence: missense variant.
Genome position (GRCh38, 1-based): chr17:10,523,594, T>C on the plus strand (A>G on the coding strand, the complement: MYH2 is on the minus strand). VCF-style: chr17-10523594-T-C. GRCh37 (hg19) VCF-style: chr17-10426911-T-C.
Other names: c.5374A>G, p.Met1792Val (NM_001100112.2); short protein forms M1792V.
Identifiers: ClinVar variation 2176730 (VCV002176730.4), dbSNP rs2073311127, ClinGen allele CA398116637.

ClinVar aggregate classification (germline): Uncertain significance (1 of 4 stars; one submission).

Conditions:
Myopathy, proximal, and ophthalmoplegia (CMYO6). Also called: INCLUSION BODY MYOPATHY 3, AUTOSOMAL DOMINANT; MYOPATHY WITH CONGENITAL JOINT CONTRACTURES, OPHTHALMOPLEGIA, AND RIMMED VACUOLES; CONGENITAL MYOPATHY 6 WITH OPHTHALMOPLEGIA. Identifiers: Orphanet 363677, Orphanet 79091, MedGen C1854106, MONDO:0011577, OMIM 605637.

Allele frequency attached by ClinVar (database versions not stated): gnomAD 0.00001.

Submission:

Labcorp Genetics (formerly Invitae), Labcorp
Classification: Uncertain significance for Myopathy, proximal, and ophthalmoplegia. Last evaluated: 2022-08-09. Review status: criteria provided, single submitter. Criteria: Invitae Variant Classification Sherloc (09022015). Collection method: clinical testing. Allele origin: germline.
Comment: In summary, the available evidence is currently insufficient to determine the role of this variant in disease. Therefore, it has been classified as a Variant of Uncertain Significance. Algorithms developed to predict the effect of missense changes on protein structure and function are either unavailable or do not agree on the potential impact of this missense change (SIFT: "Deleterious"; PolyPhen-2: "Benign"; Align-GVGD: "Class C0"). This variant has not been reported in the literature in individuals affected with MYH2-related conditions. This variant is not present in population databases (gnomAD no frequency). This sequence change replaces methionine, which is neutral and non-polar, with valine, which is neutral and non-polar, at codon 1792 of the MYH2 protein (p.Met1792Val).